The following is an entry in ClinVar:

ClinVar aggregate classification (germline): Uncertain significance (1 of 4 stars; one submission).

Submission:

Women's Health and Genetics/Laboratory Corporation of America, LabCorp
Classification: Uncertain significance. Last evaluated: 2024-03-15. Review status: criteria provided, single submitter. Criteria: LabCorp Variant Classification Summary - May 2015. Collection method: clinical testing. Allele origin: germline.
Comment: Variant summary: GNPTG c.15_23dupGGCGCGGCT (p.Ala6_Leu8dup) results in an in-frame duplication that is predicted to duplicate three amino acids into the encoded protein. The variant was absent in 37540 control chromosomes. The available data on variant occurrences in the general population are insufficient to allow any conclusion about variant significance. c.15_23dupGGCGCGGCT has been reported in the literature in individuals affected with non-syndromic stuttering (e.g. Raza_2016). This report does not provide unequivocal conclusions about association of the variant with Mucolipidosis III Gamma. To our knowledge, no experimental evidence demonstrating an impact on protein function has been reported. The following publication has been ascertained in the context of this evaluation (PMID: 26130485). No submitters have cited clinical-significance assessments for this variant to ClinVar. Based on the evidence outlined above, the variant was classified as uncertain significance.

Literature cited by the submitters: PubMed 26130485.

NM_032520.5(GNPTG):c.15_23dup (p.Leu8_Leu9insAlaArgLeu)

Genes: GNPTG (N-acetylglucosamine-1-phosphate transferase subunit gamma; plus strand), LOC130058158 (ATAC-STARR-seq lymphoblastoid silent region 6972; plus strand). Cytogenetic location: 16p13.3.
Variant type: Duplication.
Coding change: c.15_23dup on transcript NM_032520.5 (MANE Select); coding-DNA positions 15 to 23, 9 bases duplicated (GGCGCGGCT; older notation c.15_23dupGGCGCGGCT).
Protein change: p.Leu8_Leu9insAlaArgLeu.
Molecular consequence: inframe insertion.
Genome position (GRCh38, 1-based): chr16:1,351,980-1,351,988, GGCGCGGCT duplicated; duplicating any 9 consecutive bases within chr16:1,351,976-1,351,988 gives the same sequence; the c. name uses the placement nearest the transcript's 3' end. VCF-style (leftmost placement, unchanged base first): chr16-1351975-G-GGGCTGGCGC. GRCh37 (hg19) VCF-style: chr16-1401976-G-GGGCTGGCGC.
Other names: c.15_23dupGGCGCGGCT (NM_032520.5).
Identifiers: ClinVar variation 3233940 (VCV003233940.2), dbSNP rs1195696340, ClinGen allele CA718218770.